The following is an entry in ClinVar:

ClinVar aggregate classification (germline): Uncertain significance (1 of 4 stars; one submission).

Submission:

GeneDx
Classification: Uncertain significance. Last evaluated: 2022-12-27. Review status: criteria provided, single submitter. Criteria: GeneDx Variant Classification Process June 2021. Collection method: clinical testing. Allele origin: germline. Affected: yes.
Comment: Not observed at significant frequency in large population cohorts (gnomAD); In silico analysis supports that this variant does not alter splicing; Has not been previously published as pathogenic or benign to our knowledge

NM_015404.4(WHRN):c.1627-10C>A

Gene: WHRN (whirlin; minus strand). Cytogenetic location: 9q32.
Variant type: single nucleotide variant.
Coding change: c.1627-10C>A on transcript NM_015404.4 (MANE Select); 10 bases into the intron before coding-DNA position 1627, C replaced by A.
Molecular consequence: intron variant.
Genome position (GRCh38, 1-based): chr9:114,408,028, G>T on the plus strand (C>A on the coding strand, the complement: WHRN is on the minus strand). VCF-style: chr9-114408028-G-T. GRCh37 (hg19) VCF-style: chr9-117170308-G-T.
Other names: c.1627-10C>A (NM_001173425.2); c.478-10C>A (NM_001083885.3); c.574-10C>A (NM_001346890.1).
Identifiers: ClinVar variation 2507255 (VCV002507255.1), dbSNP rs2491548079, ClinGen allele CA2580616292.
Genomic context (GRCh38, chr9:114,408,028, plus strand): 5'-GTTGATATTGCCCTGGACAGCCTCGCCAGTTTCCTCCAGGTCCAGAGTGTTCTAGAAATG[G>T]ACGAGAAAGCAAAGTGAGCAAACAGAAGCTGAGAAGGGAACACTGGTTTGTTCTCCAGCA-3'